The following is an entry in ClinVar:

NM_006389.5(HYOU1):c.1876G>A (p.Ala626Thr)

Gene: HYOU1 (hypoxia up-regulated 1; minus strand). Cytogenetic location: 11q23.3.
Variant type: single nucleotide variant.
Coding change: c.1876G>A on transcript NM_006389.5 (MANE Select); coding-DNA position 1876, G replaced by A.
Protein change: p.Ala626Thr; replaces alanine 626 with threonine.
Molecular consequence: missense variant.
Genome position (GRCh38, 1-based): chr11:119,049,134, C>T on the plus strand (G>A on the coding strand, the complement: HYOU1 is on the minus strand). VCF-style: chr11-119049134-C-T. GRCh37 (hg19) VCF-style: chr11-118919846-C-T.
Other names: c.1876G>A, p.Ala626Thr (NM_001130991.3, NM_001411041.1); short protein forms A626T.
Identifiers: ClinVar variation 4700116 (VCV004700116.1).
Genomic context (GRCh38, chr11:119,049,134, plus strand): 5'-TTGCATCTCCCTTAGGTTCAGGGGGTGGGGGCTGAGAGCCATCCTCCACTGGGGCCTCAG[C>T]TTCCTCCTTGAGCTCCACCTGCTCCCCAGGCTCGTCCTTGCTCCCCTCTGCAGGGCTCTC-3'
Protein context (NP_006380.1, residues 616-636): PGEQVELKEE[Ala626Thr]EAPVEDGSQP

ClinVar aggregate classification (germline): Uncertain significance (1 of 4 stars; one submission).

gnomAD v4.1: 4 of 1,613,680 alleles (0.00025%); highest among the groups gnomAD compares: Middle Eastern, 0.017%; no homozygotes.

Submission:

Labcorp Genetics (formerly Invitae), Labcorp
Classification: Uncertain significance. Last evaluated: 2025-07-21. Review status: criteria provided, single submitter. Criteria: Invitae Variant Classification Sherloc (09022015). Collection method: clinical testing. Allele origin: germline.
Comment: This sequence change replaces alanine, which is neutral and non-polar, with threonine, which is neutral and polar, at codon 626 of the HYOU1 protein (p.Ala626Thr). This variant is not present in population databases (gnomAD no frequency). This variant has not been reported in the literature in individuals affected with HYOU1-related conditions. An algorithm developed to predict the effect of missense changes on protein structure and function outputs the following: PolyPhen-2: "Benign". The threonine amino acid residue is found in multiple mammalian species, which suggests that this missense change does not adversely affect protein function. In summary, the available evidence is currently insufficient to determine the role of this variant in disease. Therefore, it has been classified as a Variant of Uncertain Significance.